The following is an entry in ClinVar:

NM_000692.5(ALDH1B1):c.1043T>C (p.Val348Ala)

Gene: ALDH1B1 (aldehyde dehydrogenase 1 family member B1; plus strand). Cytogenetic location: 9p13.1.
Variant type: single nucleotide variant.
Coding change: c.1043T>C on transcript NM_000692.5 (MANE Select); coding-DNA position 1043, T replaced by C.
Protein change: p.Val348Ala; replaces valine 348 with alanine.
Molecular consequence: missense variant.
Genome position (GRCh38, 1-based): chr9:38,396,791, T>C. VCF-style: chr9-38396791-T-C. GRCh37 (hg19) VCF-style: chr9-38396788-T-C.
Other names: p.V348A:GTG>GCG; short protein forms V348A.
Identifiers: ClinVar variation 214114 (VCV000214114.2), dbSNP rs764809001, ClinGen allele CA322749.

ClinVar aggregate classification (germline): Uncertain significance (1 of 4 stars; one submission).

Allele frequency attached by ClinVar (database versions not stated): gnomAD 0.00001; ExAC 0.00002; TOPMed 0.00001 and 0.00002; gnomAD exomes 0.00002.
gnomAD v4.1: 33 of 1,614,024 alleles (0.002%); highest among the groups gnomAD compares: Middle Eastern, 0.049%; no homozygotes.

Submission:

GeneDx
Classification: Uncertain significance. Last evaluated: 2014-09-05. Review status: criteria provided, single submitter. Criteria: GeneDx Variant Classification (06012015). Collection method: clinical testing. Allele origin: germline. Affected: yes.
Comment: p.Val348Ala (GTG>GCG): c.1043 T>C in exon 2 of the ALDH1B1 gene (NM_000692.4). The V348A variant hasn't been published as a mutation, or reported as benign polymorphism to our knowledge. The V348A variant was not observed in approximately 6,500 individuals of European and African American ancestry in the NHLBI Exome Sequencing Project. V348A is a conservative amino acid substitutions, which are not likely to impact secondary protein structure. However, this substitution occur at positions that are conserved across species and in-silico analysis predicts that both variants are probably damaging to the protein structure/function. Therefore, based on the currently available information, it is unclear whether the V348A variant is pathogenic mutation or a rare benign variant. The variant is found in MITONUC-MITOP panel(s).